The following is an entry in ClinVar:

NM_000051.4(ATM):c.998C>T (p.Ser333Phe)

Gene: ATM (ATM serine/threonine kinase; plus strand). Cytogenetic location: 11q22.3.
Variant type: single nucleotide variant.
Coding change: c.998C>T on transcript NM_000051.4 (MANE Select); coding-DNA position 998, C replaced by T.
Protein change: p.Ser333Phe; replaces serine 333 with phenylalanine.
Molecular consequence: missense variant.
Genome position (GRCh38, 1-based): chr11:108,247,060, C>T. VCF-style: chr11-108247060-C-T. GRCh37 (hg19) VCF-style: chr11-108117787-C-T.
Other names: p.S333F:TCT>TTT; NP_000042.3:p.Ser333Phe; c.998C>T, p.Ser333Phe (NM_001351834.2); short protein forms S333F.
Identifiers: ClinVar variation 127471 (VCV000127471.100), dbSNP rs28904919, ClinGen allele CA157204.

ClinVar aggregate classification (germline): Conflicting classifications of pathogenicity. Review status: criteria provided, conflicting classifications (1 of 4 stars). 34 submissions from 34 submitters: Uncertain significance (1); Benign (6); Likely benign (17). 10 of the submissions do not count toward it. Last evaluated 2026-09-01.

Conditions:
ATM-related cancer predisposition. Also called: ATM-related cancer susceptibility. Identifiers: MedGen CN377759, MONDO:0700270.
Breast and/or ovarian cancer. Identifiers: MedGen CN221562.
Hereditary cancer-predisposing syndrome. Also called: Neoplastic Syndromes, Hereditary; Hereditary Cancer Syndrome; Tumor predisposition; Hereditary neoplastic syndrome. Identifiers: Orphanet 140162, MedGen C0027672, MeSH D009386, MONDO:0015356.
Hereditary breast ovarian cancer syndrome. Also called: Hereditary breast and ovarian cancer syndrome; Breast and ovarian cancer; BRCA1- and BRCA2-Associated Hereditary Breast and Ovarian Cancer; Hereditary breast and ovarian cancer; Hereditary breast and ovarian cancer syndrome (HBOC); Hereditary breast and/or ovarian cancer syndrome. Identifiers: Orphanet 145, MedGen C0677776, MeSH D061325, MONDO:0003582. Disease mechanism: loss of function.
Familial cancer of breast. Also called: hereditary breast carcinoma; BREAST CANCER, FAMILIAL; Hereditary breast cancer. Identifiers: Orphanet 227535, MedGen C0346153, MONDO:0016419, OMIM 114480. Disease mechanism: loss of function.
Ataxia-telangiectasia syndrome (AT). Also called: LOUIS-BAR SYNDROME; Cerebello-oculocutaneous telangiectasia; Immunodeficiency with ataxia telangiectasia; Ataxia-telangiectasia, complementation group E; Ataxia telangiectasia (A-T); Ataxia-telangiectasia, complementation group D. Identifiers: Orphanet 100, MedGen C0004135, MONDO:0008840, OMIM 208900.

Allele frequency attached by ClinVar (database versions not stated): 1000 Genomes Project 30x 0.00125; ExAC 0.00128; gnomAD 0.00133 and 0.00137; TOPMed 0.00137; ESP Exome Variant Server 0.00138; 1000 Genomes Project 0.00140; gnomAD exomes 0.00144 and 0.00156.
gnomAD v4.1: 2,305 of 1,613,876 alleles (0.14%); highest among the groups gnomAD compares: Admixed American, 0.38%; 4 homozygotes.

Submissions 1 to 18 of 34:

CeGaT Center for Human Genetics Tuebingen
Classification: Likely benign. Last evaluated: 2026-09-01. Review status: criteria provided, single submitter. Criteria: CeGaT Center For Human Genetics Tuebingen Variant Classification Criteria Version 2. Collection method: clinical testing. Allele origin: germline. Affected: yes. Observed: 26 variant alleles.
Comment: ATM: PS3:Supporting, BP1, BP4, BS2

Labcorp Genetics (formerly Invitae), Labcorp
Classification: Benign for Ataxia-telangiectasia syndrome. Last evaluated: 2026-02-04. Review status: criteria provided, single submitter. Criteria: Invitae Variant Classification Sherloc (09022015). Collection method: clinical testing. Allele origin: germline.

Mayo Clinic Laboratories, Mayo Clinic
Classification: Likely benign. Last evaluated: 2025-10-23. Review status: criteria provided, single submitter. Criteria: ACMG Guidelines, 2015. Collection method: clinical testing. Allele origin: germline. Observed: 12 variant alleles.
Comment: BS1, BP4_moderate

Laboratorio de I+D, Fundación Centro Médico de Asturias
Classification: Benign for Hereditary cancer-predisposing syndrome. Last evaluated: 2025-07-08. Review status: criteria provided, single submitter. Criteria: ACMG Guidelines, 2015. Collection method: clinical testing. Allele origin: germline.
Comment: BS1+BS2+BP1+BP4

Center for Genomic Medicine, Rigshospitalet, Copenhagen University Hospital
Classification: Likely benign. Last evaluated: 2025-03-04. Review status: criteria provided, single submitter. Criteria: ACMG Guidelines, 2015. Collection method: clinical testing. Allele origin: germline.

Myriad Genetics, Inc.
Classification: Benign for Familial cancer of breast. Last evaluated: 2025-01-10. Review status: criteria provided, single submitter. Criteria: Myriad Autosomal Dominant, Autosomal Recessive and X-Linked Classification Criteria (2023). Collection method: clinical testing. Allele origin: unknown.
Comment: This variant is considered benign. This variant is strongly associated with less severe personal and family histories of cancer, typical for individuals without pathogenic variants in this gene [PMID: 25085752]. This variant has been observed at a population frequency that is significantly greater than expected given the associated disease prevalence and penetrance.

Dasa
Classification: Likely benign for ATM-related cancer predisposition. Last evaluated: 2024-12-07. Review status: criteria provided, single submitter. Criteria: DASA Assertion Criteria. Collection method: clinical testing. Allele origin: germline.
Comment: NM_000051.4(ATM):c.998C>T (p.Ser333Phe) is a missense variant that results in the substitution of serine with phenylalanine. Population frequency is inconsistent with a disease-causing role for this variant. Computational prediction algorithms are consistent with a benign effect. Therefore, based on the currently available evidence, this variant is classified as likely benign.

Molecular Diagnostics Laboratory, Catalan Institute of Oncology
Classification: Benign for Hereditary cancer-predisposing syndrome. Last evaluated: 2024-11-04. Review status: criteria provided, single submitter. Criteria: ClinGen ACMG Specifications ATM V1.1.0. Collection method: clinical testing. Allele origin: germline.
Comment: BS1, BP2_Strong, BP4 c.998C>T, located in exon 8 of the ATM gene, is predicted to result in the substitution of serine by phenylalanine at codon 333, p.(Ser333Phe). The variant allele was found in 123/35062 alleles, with a filter allele frequency of 0.30% at 99% confidence, within the Latino population in the gnomAD v2.1.1 database (non-cancer data set) (BS1). The SpliceAI algorithm predicts no significant impact on splicing. The REVEL meta-predictor score for this variant (0.073) suggests that it does not affect the protein function (BP4). To our knowledge, no well-established functional studies have been reported for this variant. It has been reported in homozygous state in at least 3 ataxia-telangiectasia unaffected individuals (PMID: 33280026, 25749350 and gnomAD non-neuro dataset) (BP2_Strong). This variant has been reported in the ClinVar database (1x uncertain significance, 22x likely benign, 5x benign) and in LOVD (8x likely benign, 1x benign), Based on currently available information, the variant c.998C>T should be considered a benign variant, according to ACMG Classification Rules Specified for ATM by ClinGen, v1.1.

Blueprint Genetics
Classification: Likely benign. Last evaluated: 2024-10-25. Review status: criteria provided, single submitter. Criteria: ACMG Guidelines, 2015. Collection method: clinical testing. Allele origin: germline.

ARUP Laboratories, Molecular Genetics and Genomics, ARUP Laboratories
Classification: Likely benign. Last evaluated: 2024-07-26. Review status: criteria provided, single submitter. Criteria: ARUP Molecular Germline Variant Investigation Process 2024. Collection method: clinical testing. Allele origin: germline.

CHEO Genetics Diagnostic Laboratory, Children's Hospital of Eastern Ontario
Classification: Likely benign for Breast and/or ovarian cancer. Last evaluated: 2023-06-22. Review status: criteria provided, single submitter. Criteria: ACMG Guidelines, 2015. Collection method: clinical testing. Allele origin: germline.

National Health Laboratory Service, Universitas Academic Hospital and University of the Free State
Classification: Likely benign for Hereditary breast ovarian cancer syndrome. Last evaluated: 2022-04-19. Review status: criteria provided, single submitter. Criteria: ACMG Guidelines, 2015. Collection method: clinical testing. Allele origin: germline. Affected: yes. Observed: 1 variant allele.

Genetic Services Laboratory, University of Chicago
Classification: Likely benign. Last evaluated: 2022-01-20. Review status: criteria provided, single submitter. Criteria: ACMG Guidelines, 2015. Collection method: clinical testing. Allele origin: germline. Affected: no.

Quest Diagnostics Nichols Institute San Juan Capistrano
Classification: Benign. Last evaluated: 2021-12-17. Review status: criteria provided, single submitter. Criteria: Quest Diagnostics criteria. Collection method: clinical testing. Allele origin: unknown.

Ambry Genetics
Classification: Likely benign for Hereditary cancer-predisposing syndrome. Last evaluated: 2021-11-18. Review status: criteria provided, single submitter. Criteria: Ambry Variant Classification Scheme 2023. Collection method: clinical testing. Allele origin: germline.

Sema4
Classification: Likely benign for Hereditary cancer-predisposing syndrome. Last evaluated: 2021-03-28. Review status: criteria provided, single submitter. Criteria: Sema4 Curation Guidelines. Collection method: curation. Allele origin: germline.

Spanish ATM Cancer Susceptibility Variant Interpretation Working Group
Classification: Likely benign for Hereditary cancer-predisposing syndrome. Last evaluated: 2020-06-17. Review status: criteria provided, single submitter. Criteria: Feliubadaló L et al. (Clin Chem 2021). Collection method: clinical testing. Allele origin: germline. Affected: no and yes. Observed: 2 variant alleles, 56 heterozygotes, 1 homozygote. Clinical features observed: No cancer, Bilateral breast cancer, Breast carcinoma, Ovarian cancer, Colorectal signet ring cell carcinoma, Ovarian serous tumor, Lung cancer, Lichen planus, 2 melanocytic nevi, fibroadenoma of the breast, cutaneous fibroma, adrenal hyperplasia, and 13 more.
Comment: The c.998C>T (p.Ser333Phe) missense variant has an allele frequency of 0.16%, (421/268,078 alleles) in the gnomAD v2.1.1 non-cancer dataset, with a maximal frequency of 0.35%, (123/35,062 alleles) in the Latino / Admixed American subpopulation (BS1). It is not predicted to lead to a splicing alteration according to SPiCE, and no splicing site is created or activated according to at least 3 splicing predictors of the set SpliceSiteFinderlike - MaxEntScan - NNSplice - GeneSplicer. However, the in silico protein effect prediction for this missense variant is inconclusive (no predictive criterion met). Therefore, the variant meets criteria to be classified as likely benign. Adapted ACMG/AMP rules applied as defined by the Spanish ATM working group: BS1 + BS2_Supporting (PMID: 33280026).

Mendelics
Classification: Likely benign for Ataxia-telangiectasia syndrome. Last evaluated: 2019-05-28. Review status: criteria provided, single submitter. Criteria: Mendelics Assertion Criteria 2017. Collection method: clinical testing. Allele origin: unknown.